The following is an entry in ClinVar:

ClinVar aggregate classification (germline): Likely benign. Review status: criteria provided, multiple submitters, no conflicts (2 of 4 stars). 2 submissions from 2 submitters: Likely benign (2). Last evaluated 2024-04-05.

Conditions:
Early-infantile DEE. Also called: Ohtahara syndrome; Early infantile epileptic encephalopathy with suppression bursts; Early infantile epileptic encephalopathy. Identifiers: Orphanet 1934, MedGen C0393706, MONDO:0800491.

Allele frequency attached by ClinVar (database versions not stated): TOPMed 0.00007; ESP Exome Variant Server 0.00015.
gnomAD v4.1: 107 of 1,613,246 alleles (0.0066%); highest among the groups gnomAD compares: Non-Finnish European, 0.0088%; no homozygotes.

Submissions (2):

Labcorp Genetics (formerly Invitae), Labcorp
Classification: Likely benign for Early-infantile DEE. Last evaluated: 2024-04-05. Review status: criteria provided, single submitter. Criteria: Invitae Variant Classification Sherloc (09022015). Collection method: clinical testing. Allele origin: germline.

CeGaT Center for Human Genetics Tuebingen
Classification: Likely benign. Last evaluated: 2023-11-01. Review status: criteria provided, single submitter. Criteria: CeGaT Center For Human Genetics Tuebingen Variant Classification Criteria Version 2. Collection method: clinical testing. Allele origin: germline. Affected: yes. Observed: 1 variant allele.
Comment: CACNA2D2: BP7

NM_006030.4(CACNA2D2):c.3261C>T (p.Gly1087=)

Genes: CACNA2D2 (calcium voltage-gated channel auxiliary subunit alpha2delta 2; minus strand), LOC127898564 (CYB561D2-LOC101928965; plus strand). Cytogenetic location: 3p21.31.
Variant type: single nucleotide variant.
Coding change: c.3261C>T on transcript NM_006030.4 (MANE Select); coding-DNA position 3261, C replaced by T.
Protein change: p.Gly1087=; no amino-acid change (glycine 1087 retained).
Molecular consequence: synonymous variant.
Genome position (GRCh38, 1-based): chr3:50,364,918, G>A on the plus strand (C>T on the coding strand, the complement: CACNA2D2 is on the minus strand). VCF-style: chr3-50364918-G-A. GRCh37 (hg19) VCF-style: chr3-50402349-G-A.
Other names: c.3267C>T, p.Gly1089= (NM_001005505.3); c.3282C>T, p.Gly1094= (NM_001174051.3); c.3060C>T, p.Gly1020= (NM_001291101.1).
Identifiers: ClinVar variation 698516 (VCV000698516.30), dbSNP rs373745348, ClinGen allele CA2418146.
Genomic context (GRCh38, chr3:50,364,918, plus strand): 5'-GATTTCGGGTCCACCGCCCCCTCTCCTCACTGTCGCGTTGTAGTCGAAGCAGATGTGCGG[G>A]CCTCTCCGGTATCGCGGTCTCTGCACTAGCTCACACTGCTCCGGGCCGTCCGCTGGGCAT-3'
Protein context (NP_006021.2, residues 1077-1097): ELVQRPRYRR[Gly1087=]PHICFDYNAT